The following is an entry in ClinVar:

ClinVar aggregate classification (germline): Uncertain significance (1 of 4 stars; one submission).

Conditions:
TSHZ1-related disorder. Also called: TSHZ1-related condition.

Submission:

PreventionGenetics, part of Exact Sciences
Classification: Uncertain significance for TSHZ1-related condition. Last evaluated: 2026-04-16. Review status: criteria provided, single submitter. Criteria: ACMG Guidelines, 2015. Collection method: clinical testing. Allele origin: germline.
Comment: The TSHZ1 c.1235T>C variant is predicted to result in the amino acid substitution p.Leu412Pro. To our knowledge, this variant has not been reported in the literature or in a large population database (gnomAD), indicating this variant is rare. At this time, the clinical significance of this variant is uncertain due to the absence of conclusive functional and genetic evidence.

NM_001308210.2(TSHZ1):c.1370T>C (p.Leu457Pro)

Genes: TSHZ1 (teashirt zinc finger homeobox 1; plus strand), LOC125371439 (Sharpr-MPRA regulatory region 9768; plus strand). Cytogenetic location: 18q22.3.
Variant type: single nucleotide variant.
Coding change: c.1370T>C on transcript NM_001308210.2 (MANE Select); coding-DNA position 1370, T replaced by C.
Protein change: p.Leu457Pro; replaces leucine 457 with proline.
Molecular consequence: missense variant.
Genome position (GRCh38, 1-based): chr18:75,286,777, T>C. VCF-style: chr18-75286777-T-C. GRCh37 (hg19) VCF-style: chr18-72998732-T-C.
Other names: c.1235T>C, p.Leu412Pro (NM_005786.6); short protein forms L412P, L457P.
Identifiers: ClinVar variation 4985048 (VCV004985048.1).